The following is an entry in ClinVar:

ClinVar aggregate classification (germline): Uncertain significance (1 of 4 stars; one submission).

Conditions:
Mitochondrial complex V (ATP synthase) deficiency, nuclear type 2. Also called: Nuclear-Encoded ATPase Deficiency, TMEM70-Related; ENCEPHALOCARDIOMYOPATHY, MITOCHONDRIAL, NEONATAL, DUE TO ATP SYNTHASE DEFICIENCY; MITOCHONDRIAL COMPLEX V (ATP SYNTHASE) DEFICIENCY, TMEM70 TYPE. Identifiers: Orphanet 1194, MedGen C3279699, MONDO:0013546, OMIM 614052.

Allele frequency attached by ClinVar (database versions not stated): gnomAD exomes below 0.00001; ExAC 0.00002.

Submission:

Labcorp Genetics (formerly Invitae), Labcorp
Classification: Uncertain significance for Mitochondrial complex V (ATP synthase) deficiency, nuclear type 2. Last evaluated: 2022-02-18. Review status: criteria provided, single submitter. Criteria: Invitae Variant Classification Sherloc (09022015). Collection method: clinical testing. Allele origin: germline.
Comment: In summary, the available evidence is currently insufficient to determine the role of this variant in disease. Therefore, it has been classified as a Variant of Uncertain Significance. Algorithms developed to predict the effect of missense changes on protein structure and function are either unavailable or do not agree on the potential impact of this missense change (SIFT: "Tolerated"; PolyPhen-2: "Probably Damaging"; Align-GVGD: "Class C0"). This variant has not been reported in the literature in individuals affected with TMEM70-related conditions. This variant is present in population databases (rs771232866, gnomAD 0.02%). This sequence change replaces threonine, which is neutral and polar, with methionine, which is neutral and non-polar, at codon 191 of the TMEM70 protein (p.Thr191Met).

NM_017866.6(TMEM70):c.572C>T (p.Thr191Met)

Gene: TMEM70 (transmembrane protein 70; plus strand). Cytogenetic location: 8q21.11.
Variant type: single nucleotide variant.
Coding change: c.572C>T on transcript NM_017866.6 (MANE Select); coding-DNA position 572, C replaced by T.
Protein change: p.Thr191Met; replaces threonine 191 with methionine.
Molecular consequence: missense variant. On other transcripts: 3 prime UTR variant (1), non-coding transcript variant (1).
Genome position (GRCh38, 1-based): chr8:73,981,410, C>T. VCF-style: chr8-73981410-C-T. GRCh37 (hg19) VCF-style: chr8-74893645-C-T.
Other names: c.*262C>T (NM_001040613.3); short protein forms T191M.
Identifiers: ClinVar variation 1925403 (VCV001925403.4), dbSNP rs771232866, ClinGen allele CA4784074.
Genomic context (GRCh38, chr8:73,981,410, plus strand): 5'-ACCATGAGGCCACAACAGACACTTATAAAGCCATTACCTACAATGCTATGCTTGCAGAAA[C>T]GAGTACAGTGTTTCACCAGAATGATGTGAAGATTCCAGATGCTAAACATGTATTTACCAC-3'
Protein context (NP_060336.3, residues 181-201): AITYNAMLAE[Thr191Met]STVFHQNDVK